The following is an entry in ClinVar:

ClinVar aggregate classification (germline): Uncertain significance. Review status: criteria provided, multiple submitters, no conflicts (2 of 4 stars). 2 submissions from 2 submitters: Uncertain significance (2). Last evaluated 2022-05-04.

Submissions (2):

Labcorp Genetics (formerly Invitae), Labcorp
Classification: Uncertain significance. Last evaluated: 2022-05-04. Review status: criteria provided, single submitter. Criteria: Invitae Variant Classification Sherloc (09022015). Collection method: clinical testing. Allele origin: germline.
Comment: This sequence change replaces tryptophan, which is neutral and slightly polar, with glutamic acid, which is acidic and polar, at codon 2299 of the USH2A protein (p.Trp2299Glu). This variant is present in population databases (no rsID available, gnomAD 0.04%). This variant has not been reported in the literature in individuals affected with USH2A-related conditions. Algorithms developed to predict the effect of missense changes on protein structure and function are either unavailable or do not agree on the potential impact of this missense change (SIFT: "Not Available"; PolyPhen-2: "Probably Damaging"; Align-GVGD: "Not Available"). In summary, the available evidence is currently insufficient to determine the role of this variant in disease. Therefore, it has been classified as a Variant of Uncertain Significance.

Blueprint Genetics
Classification: Uncertain significance. Last evaluated: 2019-11-18. Review status: criteria provided, single submitter. Criteria: ACMG Guidelines, 2015. Collection method: clinical testing. Allele origin: germline.

NM_206933.4(USH2A):c.6895_6896delinsGA (p.Trp2299Glu)

Gene: USH2A (usherin; minus strand). Cytogenetic location: 1q41.
Variant type: Indel.
Coding change: c.6895_6896delinsGA on transcript NM_206933.4 (MANE Select); coding-DNA positions 6895 to 6896, TG replaced by GA.
Protein change: p.Trp2299Glu; replaces tryptophan 2299 with glutamic acid.
Molecular consequence: missense variant.
Genome position (GRCh38, 1-based): chr1:215,970,686-215,970,687, CA replaced by TC on the plus strand (TG replaced by GA on the coding strand, the reverse complement: USH2A is on the minus strand). VCF-style: chr1-215970686-CA-TC. GRCh37 (hg19) VCF-style: chr1-216144028-CA-TC.
Other names: short protein forms W2299E.
Identifiers: ClinVar variation 2141932 (VCV002141932.2), dbSNP rs2527564885, ClinGen allele CA2580062083.